The following is an entry in ClinVar:

ClinVar aggregate classification (germline): Uncertain significance (1 of 4 stars; one submission).

gnomAD v4.1: 2 of 1,614,170 alleles (0.00012%); highest among the groups gnomAD compares: Non-Finnish European, 0.00017%; no homozygotes.

Submission:

Labcorp Genetics (formerly Invitae), Labcorp
Classification: Uncertain significance. Last evaluated: 2024-11-03. Review status: criteria provided, single submitter. Criteria: Invitae Variant Classification Sherloc (09022015). Collection method: clinical testing. Allele origin: germline.
Comment: This sequence change replaces valine, which is neutral and non-polar, with alanine, which is neutral and non-polar, at codon 257 of the VCAN protein (p.Val257Ala). This variant is not present in population databases (gnomAD no frequency). This variant has not been reported in the literature in individuals affected with VCAN-related conditions. An algorithm developed to predict the effect of missense changes on protein structure and function outputs the following: PolyPhen-2: "Benign". The alanine amino acid residue is found in multiple mammalian species, which suggests that this missense change does not adversely affect protein function. In summary, the available evidence is currently insufficient to determine the role of this variant in disease. Therefore, it has been classified as a Variant of Uncertain Significance.

NM_004385.5(VCAN):c.770T>C (p.Val257Ala)

Gene: VCAN (versican; plus strand). Cytogenetic location: 5q14.3.
Variant type: single nucleotide variant.
Coding change: c.770T>C on transcript NM_004385.5 (MANE Select); coding-DNA position 770, T replaced by C.
Protein change: p.Val257Ala; replaces valine 257 with alanine.
Molecular consequence: missense variant.
Genome position (GRCh38, 1-based): chr5:83,512,124, T>C. VCF-style: chr5-83512124-T-C. GRCh37 (hg19) VCF-style: chr5-82807943-T-C.
Other names: c.770T>C, p.Val257Ala (NM_001126336.3, NM_001164097.2, NM_001164098.2); short protein forms V257A.
Identifiers: ClinVar variation 3724541 (VCV003724541.2).